The following is an entry in ClinVar:

ClinVar aggregate classification (germline): Uncertain significance. Review status: criteria provided, multiple submitters, no conflicts (2 of 4 stars). 3 submissions from 3 submitters: Uncertain significance (3). Last evaluated 2026-02-26.

Conditions:
MBD4-related disorder. Also called: MBD4-related condition.
Inborn genetic diseases. Identifiers: MedGen C0950123, MeSH D030342.

Allele frequency attached by ClinVar (database versions not stated): gnomAD exomes 0.00004; 1000 Genomes Project 30x 0.00016; 1000 Genomes Project 0.00020; TOPMed below 0.00001; gnomAD 0.00001; ExAC 0.00003.
gnomAD v4.1: 64 of 1,614,168 alleles (0.004%); highest among the groups gnomAD compares: East Asian, 0.14%; no homozygotes.

Submissions (3):

PreventionGenetics, part of Exact Sciences
Classification: Uncertain significance for MBD4-related condition. Last evaluated: 2026-02-26. Review status: criteria provided, single submitter. Criteria: ACMG Guidelines, 2015. Collection method: clinical testing. Allele origin: germline.
Comment: The MBD4 c.1262A>G variant is predicted to result in the amino acid substitution p.Lys421Arg. To our knowledge, this variant has not been reported in the literature. This variant is reported in 0.022% of alleles in individuals of East Asian descent in gnomAD. At the time of reporting, this variant is absent from the ClinVar database. At this time, the clinical significance of this variant is uncertain due to the absence of conclusive functional and genetic evidence.

Labcorp Genetics (formerly Invitae), Labcorp
Classification: Uncertain significance. Last evaluated: 2026-01-11. Review status: criteria provided, single submitter. Criteria: Invitae Variant Classification Sherloc (09022015). Collection method: clinical testing. Allele origin: germline.
Comment: This sequence change replaces lysine, which is basic and polar, with arginine, which is basic and polar, at codon 421 of the MBD4 protein (p.Lys421Arg). This variant is present in population databases (rs147756381, gnomAD 0.02%). This variant has not been reported in the literature in individuals affected with MBD4-related conditions. ClinVar contains an entry for this variant (Variation ID: 2246759). An algorithm developed to predict the effect of missense changes on protein structure and function (PolyPhen-2) suggests that this variant is likely to be tolerated. In summary, the available evidence is currently insufficient to determine the role of this variant in disease. Therefore, it has been classified as a Variant of Uncertain Significance.

Ambry Genetics
Classification: Uncertain significance for Inborn genetic diseases. Last evaluated: 2021-08-23. Review status: criteria provided, single submitter. Criteria: Ambry Variant Classification Scheme 2023. Collection method: clinical testing. Allele origin: germline.

NM_001276270.2(MBD4):c.1244A>G (p.Lys415Arg)

Gene: MBD4 (methyl-CpG binding domain 4, DNA glycosylase; minus strand). Cytogenetic location: 3q21.3.
Variant type: single nucleotide variant.
Coding change: c.1244A>G on transcript NM_001276270.2 (MANE Select); coding-DNA position 1244, A replaced by G.
Protein change: p.Lys415Arg; replaces lysine 415 with arginine.
Molecular consequence: missense variant.
Genome position (GRCh38, 1-based): chr3:129,434,076, T>C on the plus strand (A>G on the coding strand, the complement: MBD4 is on the minus strand). VCF-style: chr3-129434076-T-C. GRCh37 (hg19) VCF-style: chr3-129152919-T-C.
Other names: c.1262A>G, p.Lys421Arg (NM_001276271.2, NM_001276272.2, NM_003925.3); c.308A>G, p.Lys103Arg (NM_001276273.2); c.1262A>G (NM_003925.2); short protein forms K103R, K421R, K415R.
Identifiers: ClinVar variation 2246759 (VCV002246759.6), dbSNP rs147756381, ClinGen allele CA2605364.